The following is an entry in ClinVar:

ClinVar aggregate classification (germline): Pathogenic (1 of 4 stars; one submission).

Conditions:
Chuvash polycythemia. Also called: POLYCYTHEMIA, VHL-DEPENDENT. Identifiers: Orphanet 238557, MedGen C1837915, MONDO:0009892, OMIM 263400.
Von Hippel-Lindau syndrome (VHLS). Also called: Von Hippel-Lindau; von Hippel–Lindau syndrome; VHL syndrome. Identifiers: Orphanet 892, MedGen C0019562, MONDO:0008667, OMIM 193300. Disease mechanism: loss of function.

Submission:

Labcorp Genetics (formerly Invitae), Labcorp
Classification: Pathogenic for Von Hippel-Lindau syndrome; Chuvash polycythemia. Last evaluated: 2025-03-19. Review status: criteria provided, single submitter. Criteria: Invitae Variant Classification Sherloc (09022015). Collection method: clinical testing. Allele origin: germline.
Comment: This sequence change creates a premature translational stop signal (p.Leu153Alafs*20) in the VHL gene. While this is not anticipated to result in nonsense mediated decay, it is expected to disrupt the last 61 amino acid(s) of the VHL protein. This variant is not present in population databases (gnomAD no frequency). This premature translational stop signal has been observed in individual(s) with autosomal dominant VHL-related conditions (PMID: 36625343). This variant disrupts a region of the VHL protein in which other variant(s) (p.Leu198Gln) have been determined to be pathogenic (PMID: 12000816, 20660572). This suggests that this is a clinically significant region of the protein, and that variants that disrupt it are likely to be disease-causing. For these reasons, this variant has been classified as Pathogenic.

Literature cited by the submitters: PubMed 36625343; PubMed 12000816; PubMed 20660572.

NM_000551.4(VHL):c.456_457del (p.Leu153fs)

Genes: VHL (von Hippel-Lindau tumor suppressor; plus strand), LOC107303340 (3p25 von Hippel-Lindau tumor suppressor, E3 ubiquitin protein ligase Alu-mediated recombination region; plus strand). Cytogenetic location: 3p25.3.
Variant type: Microsatellite.
Coding change: c.456_457del on transcript NM_000551.4 (MANE Select); coding-DNA positions 456 to 457, 2 bases deleted (AC; older notation c.456_457delAC).
Protein change: p.Leu153fs; shifts the reading frame from leucine 153.
Molecular consequence: frameshift variant. On other transcripts: non-coding transcript variant (1), intron variant (2).
Genome position (GRCh38, 1-based): chr3:10,146,629-10,146,630, AC deleted; deleting any 2 consecutive bases within chr3:10,146,626-10,146,630 gives the same sequence; the c. name uses the placement nearest the transcript's 3' end. VCF-style (leftmost placement, unchanged base first): chr3-10146625-TCA-T. GRCh37 (hg19) VCF-style: chr3-10188309-TCA-T.
Other names: c.*18-3158_*18-3157del (NM_001354723.2); c.341-3158_341-3157del (NM_198156.3); short protein forms L153fs.
Identifiers: ClinVar variation 4783864 (VCV004783864.1).